The following is an entry in ClinVar:

ClinVar aggregate classification (germline): Uncertain significance. Review status: criteria provided, multiple submitters, no conflicts (2 of 4 stars). 4 submissions from 4 submitters: Uncertain significance (4). Last evaluated 2025-12-29.

Conditions:
Cardiomyopathy (CMYO). Also called: Cardiomyopathies. Identifiers: Orphanet 167848, MedGen C0878544, MONDO:0004994, HP:0001638. Inheritance: Various modes of inheritance.
Arrhythmogenic right ventricular dysplasia 9 (ARVD9). Also called: Arrhythmogenic Right Ventricular Dysplasia/Cardiomyopathy 9; ARRHYTHMOGENIC RIGHT VENTRICULAR DYSPLASIA, FAMILIAL, 9. Identifiers: MedGen C1836906, MONDO:0012180, OMIM 609040.
Arrhythmogenic right ventricular cardiomyopathy (ARVD). Also called: Arrhythmogenic cardiomyopathy; Arrhythmogenic Right Ventricular Cardiomyopathy (ARVC); Cardiomyopathy, ARVC; Arrhythmogenic right ventricular dysplasia. Identifiers: Orphanet 247, MedGen C0349788, MeSH D019571, MONDO:0016587. Disease mechanism: loss of function. Inheritance: Various modes of inheritance.

Allele frequency attached by ClinVar (database versions not stated): ExAC 0.00001; gnomAD 0.00001; gnomAD exomes 0.00001; TOPMed 0.00001.

Submissions (4):

Labcorp Genetics (formerly Invitae), Labcorp
Classification: Uncertain significance for Arrhythmogenic right ventricular dysplasia 9. Last evaluated: 2025-12-29. Review status: criteria provided, single submitter. Criteria: Invitae Variant Classification Sherloc (09022015). Collection method: clinical testing. Allele origin: germline.
Comment: This sequence change replaces asparagine, which is neutral and polar, with serine, which is neutral and polar, at codon 764 of the PKP2 protein (p.Asn764Ser). This variant is present in population databases (rs767496004, gnomAD 0.003%). This missense change has been observed in individual(s) with clinical features of arrhythmogenic right ventricular cardiomyopathy and/or cardiac arrhythmia (PMID: 28341588, 31737537, 34120153). ClinVar contains an entry for this variant (Variation ID: 565339). An algorithm developed to predict the effect of missense changes on protein structure and function (PolyPhen-2) suggests that this variant is likely to be tolerated. In summary, the available evidence is currently insufficient to determine the role of this variant in disease. Therefore, it has been classified as a Variant of Uncertain Significance.

All of Us Research Program, National Institutes of Health
Classification: Uncertain significance for Arrhythmogenic right ventricular cardiomyopathy. Last evaluated: 2024-01-11. Review status: criteria provided, single submitter. Criteria: ACMG Guidelines, 2015. Collection method: clinical testing. Allele origin: germline. Inheritance: Autosomal dominant inheritance. Observed: 4 variant alleles, 4 heterozygotes.
Comment: This missense variant replaces asparagine with serine at codon 764 of the PKP2 protein. Computational prediction suggests that this variant may not impact protein structure and function (internally defined REVEL score threshold <= 0.5, PMID: 27666373). To our knowledge, functional studies have not been reported for this variant. This variant has been reported in two individuals suspected of having arrhythmogenic disorders (PMID: 28341588, PMID: 31737537). This variant has been identified in 2/251418 chromosomes in the general population by the Genome Aggregation Database (gnomAD). The available evidence is insufficient to determine the role of this variant in disease conclusively. Therefore, this variant is classified as a Variant of Uncertain Significance.

This study involves interpretation of variants in research participants for the purpose of population health screening. Participant phenotype was not available at the time of variant classification. Additional details can be found in publication PMID: 35346344, PMCID: PMC8962531

Color Diagnostics, LLC DBA Color Health
Classification: Uncertain significance for Cardiomyopathy. Last evaluated: 2023-08-23. Review status: criteria provided, single submitter. Criteria: ACMG Guidelines, 2015. Collection method: clinical testing. Allele origin: germline.
Comment: This missense variant replaces asparagine with serine at codon 764 of the PKP2 protein. Computational prediction suggests that this variant may not impact protein structure and function (internally defined REVEL score threshold <= 0.5, PMID: 27666373). To our knowledge, functional studies have not been reported for this variant. This variant has been reported in two individuals suspected of having arrhythmogenic disorders (PMID: 28341588, PMID: 31737537). This variant has been identified in 2/251418 chromosomes in the general population by the Genome Aggregation Database (gnomAD). The available evidence is insufficient to determine the role of this variant in disease conclusively. Therefore, this variant is classified as a Variant of Uncertain Significance.

GeneDx
Classification: Uncertain significance. Last evaluated: 2019-01-10. Review status: criteria provided, single submitter. Criteria: GeneDx Variant Classification Process June 2021. Collection method: clinical testing. Allele origin: germline. Affected: yes.
Comment: Has not been previously reported as pathogenic or benign to our knowledge; Not observed at a significant frequency in large population cohorts (Lek et al., 2016); Reported in ClinVar as a variant of uncertain significance (ClinVar Variant ID# 565339; Landrum et al., 2016); In silico analysis, which includes protein predictors and evolutionary conservation, supports that this variant does not alter protein structure/function; This variant is associated with the following publications: (PMID: 31737537)

Literature cited by the submitters: PubMed 28341588 (cited by 3 submitters); PubMed 31737537 (cited by 3 submitters); PubMed 34120153 (cited by Labcorp Genetics (formerly Invitae), Labcorp).

NM_001005242.3(PKP2):c.2159A>G (p.Asn720Ser)

Gene: PKP2 (plakophilin 2; minus strand). Cytogenetic location: 12p11.21.
Variant type: single nucleotide variant.
Coding change: c.2159A>G on transcript NM_001005242.3 (MANE Select); coding-DNA position 2159, A replaced by G.
Protein change: p.Asn720Ser; replaces asparagine 720 with serine.
Molecular consequence: missense variant.
Genome position (GRCh38, 1-based): chr12:32,802,411, T>C on the plus strand (A>G on the coding strand, the complement: PKP2 is on the minus strand). VCF-style: chr12-32802411-T-C. GRCh37 (hg19) VCF-style: chr12-32955345-T-C.
Other names: c.2291A>G, p.Asn764Ser (NM_004572.4); short protein forms N764S, N720S.
Identifiers: ClinVar variation 565339 (VCV000565339.13), dbSNP rs767496004, ClinGen allele CA034035.